The following is an entry in ClinVar:

ClinVar aggregate classification (germline): Uncertain significance. Review status: criteria provided, multiple submitters, no conflicts (2 of 4 stars). 2 submissions from 2 submitters: Uncertain significance (2). Last evaluated 2025-07-07.

Conditions:
Intellectual disability, CASK-related, X-linked. Identifiers: MedGen CN043158.
CASK-related disorder. Also called: CASK-related disorders; CASK-related condition.

Submissions (2):

PreventionGenetics, part of Exact Sciences
Classification: Uncertain significance for CASK-related condition. Last evaluated: 2025-07-07. Review status: criteria provided, single submitter. Criteria: ACMG Guidelines, 2015. Collection method: clinical testing. Allele origin: germline.
Comment: The CASK c.317G>A variant is predicted to result in the amino acid substitution p.Arg106Gln. To our knowledge, this variant has not been reported in the literature or in a large population database (gnomAD), indicating this variant is rare. An alternate nucleotide change impacting this amino acid (c.317G>C, p.Arg106Pro) has been reported as de novo in an individual with intellectual disability and microcephaly with pontine-cerebellar hypoplasia (MICPCH; Hayashi et al. 2017. PubMed ID: 28783747). At this time, the clinical significance of this variant is uncertain due to the absence of conclusive functional and genetic evidence.

Labcorp Genetics (formerly Invitae), Labcorp
Classification: Uncertain significance for Intellectual disability, CASK-related, X-linked. Last evaluated: 2022-10-17. Review status: criteria provided, single submitter. Criteria: Invitae Variant Classification Sherloc (09022015). Collection method: clinical testing. Allele origin: germline.
Comment: This variant has not been reported in the literature in individuals affected with CASK-related conditions. In summary, the available evidence is currently insufficient to determine the role of this variant in disease. Therefore, it has been classified as a Variant of Uncertain Significance. Advanced modeling of protein sequence and biophysical properties (such as structural, functional, and spatial information, amino acid conservation, physicochemical variation, residue mobility, and thermodynamic stability) has been performed at Invitae for this missense variant, however the output from this modeling did not meet the statistical confidence thresholds required to predict the impact of this variant on CASK protein function. ClinVar contains an entry for this variant (Variation ID: 1364874). This variant is not present in population databases (gnomAD no frequency). This sequence change replaces arginine, which is basic and polar, with glutamine, which is neutral and polar, at codon 106 of the CASK protein (p.Arg106Gln).

NM_001367721.1(CASK):c.317G>A (p.Arg106Gln)

Gene: CASK (calcium/calmodulin dependent serine protein kinase; minus strand). Cytogenetic location: Xp11.4.
Variant type: single nucleotide variant.
Coding change: c.317G>A on transcript NM_001367721.1 (MANE Select); coding-DNA position 317, G replaced by A.
Protein change: p.Arg106Gln; replaces arginine 106 with glutamine.
Molecular consequence: missense variant.
Genome position (GRCh38, 1-based): chrX:41,745,563, C>T on the plus strand (G>A on the coding strand, the complement: CASK is on the minus strand). VCF-style: chrX-41745563-C-T. GRCh37 (hg19) VCF-style: chrX-41604816-C-T.
Other names: c.317G>A, p.Arg106Gln (NM_001126054.3, NM_001126055.3, NM_001410745.1 and 1 more transcripts); short protein forms R106Q.
Identifiers: ClinVar variation 1364874 (VCV001364874.10), dbSNP rs2147736164, ClinGen allele CA413003053.
Genomic context (GRCh38, chrX:41,745,563, plus strand): 5'-GATTAGATATACAATACATACCTGGCTACAGCTTCACTGTACACAAAACCAGCGTCAGCT[C>T]GCTTTACGATTTCAAAACACAGATCTGCTCCATCCATACTGTAAAAAAATGTGAAAAAGA-3'
Protein context (NP_001354650.1, residues 96-116): GADLCFEIVK[Arg106Gln]ADAGFVYSEA